The following is an entry in ClinVar:

ClinVar aggregate classification (germline): Likely pathogenic (1 of 4 stars; one submission).

Conditions:
GNPTAB-mucolipidosis. Also called: UDP-N-acetylglucosamine-1-phosphotransferase subunit alpha/beta deficiency. Identifiers: MedGen CN322573, MONDO:0100122.

Submission:

Myriad Genetics, Inc.
Classification: Likely pathogenic for GNPTAB-mucolipidosis. Last evaluated: 2022-01-25. Review status: criteria provided, single submitter. Criteria: Myriad Autosomal Dominant, Autosomal Recessive and X-Linked Classification Criteria (2023). Collection method: clinical testing. Allele origin: unknown.
Comment: NM_024312.4(GNPTAB):c.56_57delGG(G19Afs*35) is expected to be pathogenic in the context of GNPTAB-related disorders. This variant is predicted to lead to an abnormal or absent protein product due to the creation of a premature termination codon in GNPTAB, a gene where loss-of-function variants are known to be pathogenic. Please note: this variant was assessed in the context of healthy population screening.

NM_024312.5(GNPTAB):c.56_57del (p.Gly19fs)

Gene: GNPTAB (N-acetylglucosamine-1-phosphate transferase subunits alpha and beta; minus strand). Cytogenetic location: 12q23.2.
Variant type: Deletion.
Coding change: c.56_57del on transcript NM_024312.5 (MANE Select); coding-DNA positions 56 to 57, 2 bases deleted (GG; older notation c.56_57delGG).
Protein change: p.Gly19fs; shifts the reading frame from glycine 19.
Molecular consequence: frameshift variant.
Genome position (GRCh38, 1-based): chr12:101,830,619-101,830,620, CC deleted on the plus strand (GG on the coding strand, the reverse complement: GNPTAB is on the minus strand); deleting any 2 consecutive bases within chr12:101,830,619-101,830,621 gives the same sequence; the c. name uses the placement nearest the transcript's 3' end. VCF-style (leftmost placement, unchanged base first): chr12-101830618-GCC-G. GRCh37 (hg19) VCF-style: chr12-102224396-GCC-G.
Other names: short protein forms G19fs.
Identifiers: ClinVar variation 1724101 (VCV001724101.3), dbSNP rs2547989547, ClinGen allele CA2580085636.
Genomic context (GRCh38, chr12:101,830,618, plus strand): 5'-CCTCTCCGAACTGGAAGGCGGAGACGATGGTGACAACGACGCCCAAGAAGCACACGTAGA[GCC>G]CATACCTGTGGGACAGGCAGGTATAGGTCTGTCTCTGCAGGAGCTTGAACAGCATCACCC-3'